The following is an entry in ClinVar:

ClinVar aggregate classification (germline): Pathogenic (1 of 4 stars; one submission).

Conditions:
DNA ligase IV deficiency. Identifiers: Orphanet 99812, MedGen C1847827, MONDO:0011686, OMIM 606593.

Submission:

Labcorp Genetics (formerly Invitae), Labcorp
Classification: Pathogenic for DNA ligase IV deficiency. Last evaluated: 2023-06-08. Review status: criteria provided, single submitter. Criteria: Invitae Variant Classification Sherloc (09022015). Collection method: clinical testing. Allele origin: germline.
Comment: For these reasons, this variant has been classified as Pathogenic. This variant disrupts a region of the LIG4 protein in which other variant(s) (p.Gln904*) have been determined to be pathogenic (PMID: 34630384). This suggests that this is a clinically significant region of the protein, and that variants that disrupt it are likely to be disease-causing. This variant has not been reported in the literature in individuals affected with LIG4-related conditions. This variant is not present in population databases (gnomAD no frequency). This sequence change creates a premature translational stop signal (p.Phe882*) in the LIG4 gene. While this is not anticipated to result in nonsense mediated decay, it is expected to disrupt the last 30 amino acid(s) of the LIG4 protein.

Literature cited by the submitters: PubMed 34630384.

NM_206937.2(LIG4):c.2645_2646del (p.Thr881_Phe882insTer)

Gene: LIG4 (DNA ligase 4; minus strand). Cytogenetic location: 13q33.3.
Variant type: Deletion.
Coding change: c.2645_2646del on transcript NM_206937.2 (MANE Select); coding-DNA positions 2645 to 2646, 2 bases deleted (TT; older notation c.2645_2646delTT).
Protein change: p.Thr881_Phe882insTer.
Molecular consequence: nonsense.
Genome position (GRCh38, 1-based): chr13:108,208,623-108,208,624, AA deleted on the plus strand (TT on the coding strand, the reverse complement: LIG4 is on the minus strand); deleting any 2 consecutive bases within chr13:108,208,623-108,208,626 gives the same sequence; the c. name uses the placement nearest the transcript's 3' end. VCF-style (leftmost placement, unchanged base first): chr13-108208622-TAA-T. GRCh37 (hg19) VCF-style: chr13-108860970-TAA-T.
Other names: c.2645_2646del, p.Thr881_Phe882insTer (NM_001352602.2, NM_001352603.1, NM_001379095.1 and 6 more transcripts); c.2681_2682del, p.Thr893_Phe894insTer (NM_001352604.2); c.2444_2445del, p.Thr814_Phe815insTer (NM_001330595.2).
Identifiers: ClinVar variation 2825384 (VCV002825384.3), dbSNP rs2501574019, ClinGen allele CA2497028709.